The following is an entry in ClinVar:

ClinVar aggregate classification (germline): Uncertain significance. Review status: criteria provided, multiple submitters, no conflicts (2 of 4 stars). 2 submissions from 2 submitters: Uncertain significance (2). Last evaluated 2024-10-06.

Conditions:
Autosomal recessive limb-girdle muscular dystrophy type 2W (MDRCMTT). Also called: Muscular dystrophy, limb-girdle, type 2W; Muscular dystrophy, autosomal recessive, with cardiomyopathy and triangular tongue. Identifiers: MedGen C4225192, MONDO:0014788, OMIM 616827.

Allele frequency attached by ClinVar (database versions not stated): TOPMed below 0.00001; gnomAD exomes 0.00001.
gnomAD v4.1: 9 of 1,577,210 alleles (0.00057%); highest among the groups gnomAD compares: Middle Eastern, 0.017%; no homozygotes.

Submissions (2):

Ambry Genetics
Classification: Uncertain significance. Last evaluated: 2024-10-06. Review status: criteria provided, single submitter. Criteria: Ambry Variant Classification Scheme 2023. Collection method: clinical testing. Allele origin: germline.

Labcorp Genetics (formerly Invitae), Labcorp
Classification: Uncertain significance for Autosomal recessive limb-girdle muscular dystrophy type 2W. Last evaluated: 2022-11-15. Review status: criteria provided, single submitter. Criteria: Invitae Variant Classification Sherloc (09022015). Collection method: clinical testing. Allele origin: germline.
Comment: In summary, the available evidence is currently insufficient to determine the role of this variant in disease. Therefore, it has been classified as a Variant of Uncertain Significance. Advanced modeling of protein sequence and biophysical properties (such as structural, functional, and spatial information, amino acid conservation, physicochemical variation, residue mobility, and thermodynamic stability) performed at Invitae indicates that this missense variant is not expected to disrupt LIMS2 protein function. ClinVar contains an entry for this variant (Variation ID: 1430796). This variant has not been reported in the literature in individuals affected with LIMS2-related conditions. This variant is not present in population databases (gnomAD no frequency). This sequence change replaces leucine, which is neutral and non-polar, with proline, which is neutral and non-polar, at codon 202 of the LIMS2 protein (p.Leu202Pro).

NM_001161403.3(LIMS2):c.539T>C (p.Leu180Pro)

Gene: LIMS2 (LIM zinc finger domain containing 2; minus strand). Cytogenetic location: 2q14.3.
Variant type: single nucleotide variant.
Coding change: c.539T>C on transcript NM_001161403.3 (MANE Select); coding-DNA position 539, T replaced by C.
Protein change: p.Leu180Pro; replaces leucine 180 with proline.
Molecular consequence: missense variant.
Genome position (GRCh38, 1-based): chr2:127,642,170, A>G on the plus strand (T>C on the coding strand, the complement: LIMS2 is on the minus strand). VCF-style: chr2-127642170-A-G. GRCh37 (hg19) VCF-style: chr2-128399745-A-G.
Other names: c.605T>C, p.Leu202Pro (NM_001136037.4); c.524T>C, p.Leu175Pro (NM_001161404.2); c.83T>C, p.Leu28Pro (NM_001256542.2); c.611T>C, p.Leu204Pro (NM_017980.5); c.611T>C (NM_017980.4); short protein forms L175P, L204P, L28P, L202P, L180P.
Identifiers: ClinVar variation 1430796 (VCV001430796.9), dbSNP rs1682491108, ClinGen allele CA348425424.